The following is an entry in ClinVar:

NM_012340.5(NFATC2):c.*52A>G

Gene: NFATC2 (nuclear factor of activated T cells 2; minus strand). Cytogenetic location: 20q13.2.
Variant type: single nucleotide variant.
Coding change: c.*52A>G on transcript NM_012340.5 (MANE Select); 52 bases downstream of the stop codon, A replaced by G.
Molecular consequence: 3 prime UTR variant. On other transcripts: synonymous variant (4).
Genome position (GRCh38, 1-based): chr20:51,391,444, T>C on the plus strand (A>G on the coding strand, the complement: NFATC2 is on the minus strand). VCF-style: chr20-51391444-T-C. GRCh37 (hg19) VCF-style: chr20-50007981-T-C.
Other names: c.*52A>G (NM_001136021.3, NM_001258294.2, NM_001258296.2); c.2670A>G, p.Glu890= (NM_001258292.2); c.2073A>G, p.Glu691= (NM_001258295.2, NM_001258297.2); c.2730A>G, p.Glu910= (NM_173091.4).
Identifiers: ClinVar variation 2652407 (VCV002652407.24), dbSNP rs2515957125, ClinGen allele CA510943630.

ClinVar aggregate classification (germline): Likely benign (1 of 4 stars; one submission).

Submission:

CeGaT Center for Human Genetics Tuebingen
Classification: Likely benign. Last evaluated: 2022-09-01. Review status: criteria provided, single submitter. Criteria: CeGaT Center For Human Genetics Tuebingen Variant Classification Criteria Version 2. Collection method: clinical testing. Allele origin: germline. Affected: yes. Observed: 1 variant allele.
Comment: NFATC2: PM2:Supporting, BP4, BP7